The following is an entry in ClinVar:

NM_022489.4(INF2):c.1528A>G (p.Met510Val)

Gene: INF2 (inverted formin 2; plus strand). Cytogenetic location: 14q32.33.
Variant type: single nucleotide variant.
Coding change: c.1528A>G on transcript NM_022489.4 (MANE Select); coding-DNA position 1528, A replaced by G.
Protein change: p.Met510Val; replaces methionine 510 with valine.
Molecular consequence: missense variant.
Genome position (GRCh38, 1-based): chr14:104,707,795, A>G. VCF-style: chr14-104707795-A-G. GRCh37 (hg19) VCF-style: chr14-105174132-A-G.
Other names: c.1528A>G, p.Met510Val (NM_001031714.4, NM_001426862.1, NM_001426863.1 and 2 more transcripts); short protein forms M510V.
Identifiers: ClinVar variation 2933299 (VCV002933299.3), dbSNP rs2541921525, ClinGen allele CA391217402.

ClinVar aggregate classification (germline): Uncertain significance (1 of 4 stars; one submission).

Conditions:
Focal segmental glomerulosclerosis 5 (FSGS5). Identifiers: Orphanet 656, MedGen C2750475, MONDO:0013191, OMIM 613237.
Charcot-Marie-Tooth disease dominant intermediate E. Also called: CHARCOT-MARIE-TOOTH NEUROPATHY WITH FOCAL SEGMENTAL GLOMERULONEPHRITIS. Identifiers: Orphanet 93114, MedGen C4302667, MONDO:0013758, OMIM 614455.

gnomAD v4.1: 6 of 795,400 alleles (0.00075%); highest among the groups gnomAD compares: Non-Finnish European, 0.00095%; no homozygotes.

Submission:

Labcorp Genetics (formerly Invitae), Labcorp
Classification: Uncertain significance for Charcot-Marie-Tooth disease dominant intermediate E; Focal segmental glomerulosclerosis 5. Last evaluated: 2025-06-03. Review status: criteria provided, single submitter. Criteria: Invitae Variant Classification Sherloc (09022015). Collection method: clinical testing. Allele origin: germline.
Comment: This sequence change replaces methionine, which is neutral and non-polar, with valine, which is neutral and non-polar, at codon 510 of the INF2 protein (p.Met510Val). This variant is not present in population databases (gnomAD no frequency). This variant has not been reported in the literature in individuals affected with INF2-related conditions. ClinVar contains an entry for this variant (Variation ID: 2933299). Invitae Evidence Modeling of protein sequence and biophysical properties (such as structural, functional, and spatial information, amino acid conservation, physicochemical variation, residue mobility, and thermodynamic stability) indicates that this missense variant is not expected to disrupt INF2 protein function with a negative predictive value of 95%. In summary, the available evidence is currently insufficient to determine the role of this variant in disease. Therefore, it has been classified as a Variant of Uncertain Significance.